The following is an entry in ClinVar:

ClinVar aggregate classification (germline): Uncertain significance. Review status: criteria provided, multiple submitters, no conflicts (2 of 4 stars). 3 submissions from 3 submitters: Uncertain significance (3). Last evaluated 2025-10-06.

Conditions:
Inborn genetic diseases. Identifiers: MedGen C0950123, MeSH D030342.
Autoinflammation with arthritis and dyskeratosis (AIADK). Identifiers: MedGen C4479278, MONDO:0060457, OMIM 617388.

Allele frequency attached by ClinVar (database versions not stated): gnomAD exomes below 0.00001.
gnomAD v4.1: 6 of 1,614,198 alleles (0.00037%); highest among the groups gnomAD compares: Non-Finnish European, 0.00051%; no homozygotes.

Submissions (3):

Labcorp Genetics (formerly Invitae), Labcorp
Classification: Uncertain significance. Last evaluated: 2025-10-06. Review status: criteria provided, single submitter. Criteria: Invitae Variant Classification Sherloc (09022015). Collection method: clinical testing. Allele origin: germline.
Comment: This sequence change replaces cysteine, which is neutral and slightly polar, with tyrosine, which is neutral and polar, at codon 527 of the NLRP1 protein (p.Cys527Tyr). This variant is not present in population databases (gnomAD no frequency). This variant has not been reported in the literature in individuals affected with NLRP1-related conditions. ClinVar contains an entry for this variant (Variation ID: 1031529). An algorithm developed to predict the effect of missense changes on protein structure and function (PolyPhen-2) suggests that this variant is likely to be disruptive. In summary, the available evidence is currently insufficient to determine the role of this variant in disease. Therefore, it has been classified as a Variant of Uncertain Significance.

Ambry Genetics
Classification: Uncertain significance for Inborn genetic diseases. Last evaluated: 2025-05-19. Review status: criteria provided, single submitter. Criteria: Ambry Variant Classification Scheme 2023. Collection method: clinical testing. Allele origin: germline.

Baylor Genetics
Classification: Uncertain significance for Autoinflammation with arthritis and dyskeratosis. Last evaluated: 2018-03-20. Review status: criteria provided, single submitter. Criteria: ACMG Guidelines, 2015. Collection method: clinical testing. Allele origin: unknown. Affected: yes.
Comment: This variant was determined to be of uncertain significance according to ACMG Guidelines, 2015 [PMID:25741868].

NM_033004.4(NLRP1):c.1580G>A (p.Cys527Tyr)

Gene: NLRP1 (NLR family pyrin domain containing 1; minus strand). Cytogenetic location: 17p13.2.
Variant type: single nucleotide variant.
Coding change: c.1580G>A on transcript NM_033004.4 (MANE Select); coding-DNA position 1580, G replaced by A.
Protein change: p.Cys527Tyr; replaces cysteine 527 with tyrosine.
Molecular consequence: missense variant.
Genome position (GRCh38, 1-based): chr17:5,559,116, C>T on the plus strand (G>A on the coding strand, the complement: NLRP1 is on the minus strand). VCF-style: chr17-5559116-C-T. GRCh37 (hg19) VCF-style: chr17-5462436-C-T.
Other names: c.1580G>A, p.Cys527Tyr (NM_001033053.3, NM_014922.5, NM_033006.4 and 1 more transcripts); short protein forms C527Y.
Identifiers: ClinVar variation 1031529 (VCV001031529.9), dbSNP rs1914443247, ClinGen allele CA397385268.
Genomic context (GRCh38, chr17:5,559,116, plus strand): 5'-GTGGTCTTGGAAGTCAGTGTGAGTTTTTCCTTCCGCTTCATCTGCTGCATCAGGCAAGTG[C>T]AGGCCAGCCAGGACACCCAGGGCACAAGACACAGGGCCCAGAGCTCTTTGTTTGATTTGA-3'
Protein context (NP_127497.1, residues 517-537): CLVPWVSWLA[Cys527Tyr]TCLMQQMKRK